The following is an entry in ClinVar:

ClinVar aggregate classification (germline): Conflicting classifications of pathogenicity. Review status: criteria provided, conflicting classifications (1 of 4 stars). 3 submissions from 3 submitters: Uncertain significance (1); Likely benign (1). 1 of the submissions does not count toward it. Last evaluated 2025-10-09.

Conditions:
RBM10-related disorder. Also called: RBM10-related condition.

Submissions (3):

Labcorp Genetics (formerly Invitae), Labcorp
Classification: Uncertain significance. Last evaluated: 2025-10-09. Review status: criteria provided, single submitter. Criteria: Invitae Variant Classification Sherloc (09022015). Collection method: clinical testing. Allele origin: germline.
Comment: This variant, c.357_359del, results in the deletion of 1 amino acid(s) of the RBM10 protein (p.Glu119del), but otherwise preserves the integrity of the reading frame. The frequency data for this variant in the population databases is considered unreliable, as metrics indicate poor data quality at this position in the gnomAD database. This variant has not been reported in the literature in individuals affected with RBM10-related conditions. Experimental studies and prediction algorithms are not available or were not evaluated, and the functional significance of this variant is currently unknown. In summary, the available evidence is currently insufficient to determine the role of this variant in disease. Therefore, it has been classified as a Variant of Uncertain Significance.

Blueprint Genetics
Classification: Likely benign. Last evaluated: 2024-11-28. Review status: criteria provided, single submitter. Criteria: ACMG Guidelines, 2015. Collection method: clinical testing. Allele origin: germline.

PreventionGenetics, part of Exact Sciences
Classification: Likely benign for RBM10-related condition. Last evaluated: 2019-07-12. Review status: no assertion criteria provided. Collection method: clinical testing. Allele origin: germline. Not counted in ClinVar's aggregate classification.
Comment: This variant is classified as likely benign based on ACMG/AMP sequence variant interpretation guidelines (Richards et al. 2015 PMID: 25741868, with internal and published modifications).

NM_005676.5(RBM10):c.336GGA[7] (p.Glu119del)

Gene: RBM10 (RNA binding motif protein 10; plus strand). Cytogenetic location: Xp11.3.
Variant type: Microsatellite.
Coding change: c.336GGA[7] on transcript NM_005676.5 (MANE Select); seven copies in a row of the 3-base unit GGA starting at c.336; the reference has eight copies in a row; one copy, 3 bases deleted.
Protein change: p.Glu119del; deletes glutamic acid 119.
Molecular consequence: inframe deletion. On other transcripts: intron variant (2).
Genome position (GRCh38, 1-based): chrX:47,171,183-47,171,185, GGA deleted; deleting any 3 consecutive bases within chrX:47,171,162-47,171,185 gives the same sequence; the position shown is the placement nearest the transcript's 3' end. VCF-style (leftmost placement, unchanged base first): chrX-47171161-GGGA-G. GRCh37 (hg19) VCF-style: chrX-47030560-GGGA-G.
Other names: c.357_359delGGA (NM_005676.4); c.336GGA[7], p.Glu119del (NM_001204467.2); c.531GGA[7], p.Glu184del (NM_001204468.2); c.201+1664GGA[7] (NM_001204466.2, NM_152856.3); short protein forms E119del, E184del.
Identifiers: ClinVar variation 2797022 (VCV002797022.6), dbSNP rs781822942, ClinGen allele CA10395092.